The following is an entry in ClinVar:

NM_152564.5(VPS13B):c.10978G>A (p.Gly3660Ser)

Gene: VPS13B (vacuolar protein sorting 13 homolog B; plus strand). Cytogenetic location: 8q22.2.
Variant type: single nucleotide variant.
Coding change: c.10978G>A on transcript NM_152564.5 (MANE Select); coding-DNA position 10978, G replaced by A.
Protein change: p.Gly3660Ser; replaces glycine 3660 with serine.
Molecular consequence: missense variant.
Genome position (GRCh38, 1-based): chr8:99,859,414, G>A. VCF-style: chr8-99859414-G-A. GRCh37 (hg19) VCF-style: chr8-100871642-G-A.
Other names: c.11053G>A, p.Gly3685Ser (NM_017890.5); c.10978G>A (NM_152564.4); short protein forms G3660S, G3685S.
Identifiers: ClinVar variation 646161 (VCV000646161.9), dbSNP rs373947421, ClinGen allele CA4825084.

ClinVar aggregate classification (germline): Uncertain significance. Review status: criteria provided, multiple submitters, no conflicts (2 of 4 stars). 3 submissions from 3 submitters: Uncertain significance (3). Last evaluated 2026-03-26.

Conditions:
VPS13B-related disorder. Also called: VPS13B-related condition.
Cohen syndrome (COH1). Also called: Cutis verticis gyrata, retinitis pigmentosa, and sensorineural deafness; PEPPER SYNDROME. Identifiers: Orphanet 193, MedGen C0265223, MONDO:0008999, OMIM 216550.

Allele frequency attached by ClinVar (database versions not stated): gnomAD 0.00001; TOPMed 0.00003; ESP Exome Variant Server 0.00008; gnomAD exomes below 0.00001; ExAC 0.00001.
gnomAD v4.1: 3 of 1,614,012 alleles (0.00019%); highest among the groups gnomAD compares: African/African-American, 0.0013%; no homozygotes.

Submissions (3):

PreventionGenetics, part of Exact Sciences
Classification: Uncertain significance for VPS13B-related condition. Last evaluated: 2026-03-26. Review status: criteria provided, single submitter. Criteria: ACMG Guidelines, 2015. Collection method: clinical testing. Allele origin: germline.
Comment: The VPS13B c.10978G>A variant is predicted to result in the amino acid substitution p.Gly3660Ser. To our knowledge, this variant has not been reported in the literature. This variant is reported in 0.0062% of alleles in individuals of African descent in gnomAD. At this time, the clinical significance of this variant is uncertain due to the absence of conclusive functional and genetic evidence.

Labcorp Genetics (formerly Invitae), Labcorp
Classification: Uncertain significance for Cohen syndrome. Last evaluated: 2024-04-22. Review status: criteria provided, single submitter. Criteria: Invitae Variant Classification Sherloc (09022015). Collection method: clinical testing. Allele origin: germline.
Comment: This sequence change replaces glycine, which is neutral and non-polar, with serine, which is neutral and polar, at codon 3685 of the VPS13B protein (p.Gly3685Ser). This variant is present in population databases (rs373947421, gnomAD 0.007%). This variant has not been reported in the literature in individuals affected with VPS13B-related conditions. ClinVar contains an entry for this variant (Variation ID: 646161). Advanced modeling of protein sequence and biophysical properties (such as structural, functional, and spatial information, amino acid conservation, physicochemical variation, residue mobility, and thermodynamic stability) performed at Invitae indicates that this missense variant is expected to disrupt VPS13B protein function with a positive predictive value of 80%. In summary, the available evidence is currently insufficient to determine the role of this variant in disease. Therefore, it has been classified as a Variant of Uncertain Significance.

Baylor Genetics
Classification: Uncertain significance for Cohen syndrome. Last evaluated: 2018-09-10. Review status: criteria provided, single submitter. Criteria: ACMG Guidelines, 2015. Collection method: clinical testing. Allele origin: de novo. Affected: yes.
Comment: This variant was determined to be of uncertain significance according to ACMG Guidelines, 2015 [PMID:25741868].